The following is an entry in ClinVar:

NM_000660.7(TGFB1):c.775C>A (p.Leu259Ile)

Gene: TGFB1 (transforming growth factor beta 1; minus strand). Cytogenetic location: 19q13.2.
Variant type: single nucleotide variant.
Coding change: c.775C>A on transcript NM_000660.7 (MANE Select); coding-DNA position 775, C replaced by A.
Protein change: p.Leu259Ile; replaces leucine 259 with isoleucine.
Molecular consequence: missense variant.
Genome position (GRCh38, 1-based): chr19:41,341,968, G>T on the plus strand (C>A on the coding strand, the complement: TGFB1 is on the minus strand). VCF-style: chr19-41341968-G-T. GRCh37 (hg19) VCF-style: chr19-41847873-G-T.
Other names: short protein forms L259I.
Identifiers: ClinVar variation 2750314 (VCV002750314.3), dbSNP rs2513381255, ClinGen allele CA405999489.

ClinVar aggregate classification (germline): Uncertain significance (1 of 4 stars; one submission).

Submission:

Labcorp Genetics (formerly Invitae), Labcorp
Classification: Uncertain significance. Last evaluated: 2023-08-04. Review status: criteria provided, single submitter. Criteria: Invitae Variant Classification Sherloc (09022015). Collection method: clinical testing. Allele origin: germline.
Comment: This variant is not present in population databases (gnomAD no frequency). In summary, the available evidence is currently insufficient to determine the role of this variant in disease. Therefore, it has been classified as a Variant of Uncertain Significance. Advanced modeling of protein sequence and biophysical properties (such as structural, functional, and spatial information, amino acid conservation, physicochemical variation, residue mobility, and thermodynamic stability) performed at Invitae indicates that this missense variant is not expected to disrupt TGFB1 protein function. This variant has not been reported in the literature in individuals affected with TGFB1-related conditions. This sequence change replaces leucine, which is neutral and non-polar, with isoleucine, which is neutral and non-polar, at codon 259 of the TGFB1 protein (p.Leu259Ile).